The following is an entry in ClinVar:

NM_000277.3(PAH):c.707-7A>T

Gene: PAH (phenylalanine hydroxylase; minus strand). Cytogenetic location: 12q23.2.
Variant type: single nucleotide variant.
Coding change: c.707-7A>T on transcript NM_000277.3 (MANE Select); 7 bases into the intron before coding-DNA position 707, A replaced by T.
Molecular consequence: intron variant.
Genome position (GRCh38, 1-based): chr12:102,852,957, T>A on the plus strand (A>T on the coding strand, the complement: PAH is on the minus strand). VCF-style: chr12-102852957-T-A. GRCh37 (hg19) VCF-style: chr12-103246735-T-A.
Other names: NM_000277.2(PAH):c.707-7A>T; c.707-7A>T (NM_001354304.2).
Identifiers: ClinVar variation 102795 (VCV000102795.31), dbSNP rs62508624, ClinGen allele CA180267.

ClinVar aggregate classification (germline): Benign. Review status: reviewed by expert panel (3 of 4 stars). 12 submissions from 12 submitters: Benign (1). 11 of the submissions do not count toward it. Last evaluated 2018-08-10.

Conditions:
Phenylketonuria (PKU). Also called: Phenylketonuria (PKU); FOLLING DISEASE; OLIGOPHRENIA PHENYLPYRUVICA; Phenylketonurias. Identifiers: Orphanet 716, MedGen C0031485, MONDO:0009861, OMIM 261600. Disease mechanism: loss of function.

Allele frequency attached by ClinVar (database versions not stated): gnomAD 0.02674 and 0.02868; gnomAD exomes 0.00715; ExAC 0.00888; 1000 Genomes Project 0.02935; ESP Exome Variant Server 0.02876; 1000 Genomes Project 30x 0.03217; TOPMed 0.03018.
gnomAD v4.1: 8,141 of 1,613,810 alleles (0.5%); highest among the groups gnomAD compares: African/African-American, 9%; 334 homozygotes.

Submissions (12):

ClinGen PAH Variant Curation Expert Panel
Classification: Benign for Phenylketonuria. Last evaluated: 2018-08-10. Review status: reviewed by expert panel. Criteria: ClinGen PAH ACMG Specifications v1. Collection method: curation. Allele origin: germline. Inheritance: Autosomal recessive inheritance.
Comment: PAH-specific ACMG/AMP criteria applied: BA1: Highest MAF=0.10514 in 1000G. 35 homozygotes in ExAC; BP4: HSF: No significant splicing motif alteration detected. This mutation has probably no impact on splicing. CADD=1.163344. In summary this variant meets criteria to be classified as benign for phenylketonuria in an autosomal recessive manner based on the ACMG/AMP criteria applied as specified by the PAH Expert Panel: (BA1, BP4).

Labcorp Genetics (formerly Invitae), Labcorp
Classification: Benign for Phenylketonuria. Last evaluated: 2026-02-04. Review status: criteria provided, single submitter. Criteria: Invitae Variant Classification Sherloc (09022015). Collection method: clinical testing. Allele origin: germline. Not counted in ClinVar's aggregate classification.

Fulgent Genetics
Classification: Benign for Phenylketonuria. Last evaluated: 2022-04-21. Review status: criteria provided, single submitter. Criteria: ACMG Guidelines, 2015. Collection method: clinical testing. Allele origin: unknown. Not counted in ClinVar's aggregate classification.

Quest Diagnostics Nichols Institute San Juan Capistrano
Classification: Benign. Last evaluated: 2020-07-24. Review status: criteria provided, single submitter. Criteria: Quest Diagnostics criteria. Collection method: clinical testing. Allele origin: unknown. Not counted in ClinVar's aggregate classification.

GeneDx
Classification: Benign. Last evaluated: 2019-02-25. Review status: criteria provided, single submitter. Criteria: GeneDx Variant Classification Process June 2021. Collection method: clinical testing. Allele origin: germline. Affected: yes. Not counted in ClinVar's aggregate classification.
Comment: This variant is associated with the following publications: (PMID: 2666653, 27884173)

Women's Health and Genetics/Laboratory Corporation of America, LabCorp
Classification: Benign. Last evaluated: 2017-05-14. Review status: criteria provided, single submitter. Criteria: LabCorp Variant Classification Summary - May 2015. Collection method: clinical testing. Allele origin: germline. Not counted in ClinVar's aggregate classification.
Comment: Variant summary: c.707-7A>T in PAH gene is an intronic change that involves a non-conserved nucleotide. 5/5 programs in Alamut predict that this variant does not affect a normal splicing pattern, however no functional studies supporting this notion were published at the time of evaluation. The variant is present in the control population dataset of ExAC at frequency of 0.008876 (1049/ 118182 chrs tested), predominantly in individuals of African descent (0.08901; 910/ 10224 chrs tested), including 33 homozygotes. The observed frequencies exceed the maximum expected allele frequency for a pathogenic variant of 0.0079 suggesting that it is a benign polymorphism. The variant of interest has been reported in PKU individuals without strong evidence for causality, but is cited as Benign by a reputable database/clinical laboratory. Taking together, based on the prevalence of this variant in general population the variant was classified as Benign.

Illumina Laboratory Services, Illumina
Classification: Likely benign for Phenylketonuria. Last evaluated: 2017-04-27. Review status: criteria provided, single submitter. Criteria: ICSL Variant Classification Criteria 13 December 2019. Collection method: clinical testing. Allele origin: germline. Not counted in ClinVar's aggregate classification.
Comment: This variant was observed as part of a predisposition screen in an ostensibly healthy population. A literature search was performed for the gene, cDNA change, and amino acid change (where applicable). No publications were found based on this search. Allele frequency data from public databases allowed determination this variant is unlikely to cause disease. Therefore, this variant is classified as likely benign.

Center for Pediatric Genomic Medicine, Children's Mercy Hospital and Clinics
Classification: Likely benign. Last evaluated: 2015-02-02. Review status: criteria provided, single submitter. Criteria: ACMG Guidelines, 2015. Collection method: clinical testing. Allele origin: germline. Not counted in ClinVar's aggregate classification.
ClinVar note: Converted during submission from Likely Benign to Likely benign.

Eurofins Ntd Llc (ga)
Classification: Benign. Last evaluated: 2014-02-25. Review status: criteria provided, single submitter. Criteria: EGL Classification Definitions 2015. Collection method: clinical testing. Allele origin: germline. Observed: 1 variant allele, 1 heterozygote. Not counted in ClinVar's aggregate classification.

Breakthrough Genomics
Classification: Benign. Review status: criteria provided, single submitter. Criteria: ACMG Guidelines, 2015. Collection method: not provided. Allele origin: germline. Inheritance: Autosomal recessive inheritance. Affected: yes. Not counted in ClinVar's aggregate classification.

Natera, Inc.
Classification: Benign for Phenylketonuria. Last evaluated: 2019-11-14. Review status: no assertion criteria provided. Collection method: clinical testing. Allele origin: germline. Not counted in ClinVar's aggregate classification.

DeBelle Laboratory for Biochemical Genetics, MUHC/MCH RESEARCH INSTITUTE
No classification provided. Review status: no classification provided. Collection method: not provided. Allele origin: not provided. Not counted in ClinVar's aggregate classification.

Literature cited by the submitters: PubMed 12644360 (cited by Women's Health and Genetics/Laboratory Corporation of America, LabCorp); PubMed 26666653 (cited by Women's Health and Genetics/Laboratory Corporation of America, LabCorp).